The following is an entry in ClinVar:

NM_001184.4(ATR):c.2503T>G (p.Leu835Val)

Gene: ATR (ATR checkpoint kinase; minus strand). Cytogenetic location: 3q23.
Variant type: single nucleotide variant.
Coding change: c.2503T>G on transcript NM_001184.4 (MANE Select); coding-DNA position 2503, T replaced by G.
Protein change: p.Leu835Val; replaces leucine 835 with valine.
Molecular consequence: missense variant.
Genome position (GRCh38, 1-based): chr3:142,553,854, A>C on the plus strand (T>G on the coding strand, the complement: ATR is on the minus strand). VCF-style: chr3-142553854-A-C. GRCh37 (hg19) VCF-style: chr3-142272696-A-C.
Other names: c.2311T>G, p.Leu771Val (NM_001354579.2); short protein forms L771V, L835V.
Identifiers: ClinVar variation 1055930 (VCV001055930.12), dbSNP rs377134163, ClinGen allele CA84746202.
Genomic context (GRCh38, chr3:142,553,854, plus strand): 5'-AACTCAAATGTTAAAAACAAAAATTATCAACCTCCTTTATAAATCCATCTTCAGAGTCCA[A>C]GGATTCCAATATGTGCTTGATATTTCCACTAAAAGCCACTCTAACATCTTTGTCTGGATC-3'
Protein context (NP_001175.2, residues 825-845): SGNIKHILES[Leu835Val]DSEDGFIKEL

ClinVar aggregate classification (germline): Uncertain significance. Review status: criteria provided, multiple submitters, no conflicts (2 of 4 stars). 4 submissions from 3 submitters: Uncertain significance (4). Last evaluated 2025-05-06.

Conditions:
Inborn genetic diseases. Identifiers: MedGen C0950123, MeSH D030342.
Familial cutaneous telangiectasia and oropharyngeal predisposition cancer syndrome. Identifiers: Orphanet 313846, MedGen C3281203, MONDO:0013806, OMIM 614564.
Seckel syndrome 1 (SCKL1). Also called: MICROCEPHALIC PRIMORDIAL DWARFISM I. Identifiers: Orphanet 808, MedGen C4551474, MONDO:0008869, OMIM 210600.

gnomAD v4.1: 16 of 1,613,484 alleles (0.00099%); highest among the groups gnomAD compares: Middle Eastern, 0.016%; no homozygotes.

Submissions (4):

Ambry Genetics
Classification: Uncertain significance for Inborn genetic diseases. Last evaluated: 2025-05-06. Review status: criteria provided, single submitter. Criteria: Ambry Variant Classification Scheme 2023. Collection method: clinical testing. Allele origin: germline.

Labcorp Genetics (formerly Invitae), Labcorp
Classification: Uncertain significance. Last evaluated: 2023-09-18. Review status: criteria provided, single submitter. Criteria: Invitae Variant Classification Sherloc (09022015). Collection method: clinical testing. Allele origin: germline.
Comment: This variant has not been reported in the literature in individuals affected with ATR-related conditions. ClinVar contains an entry for this variant (Variation ID: 1055930). An algorithm developed to predict the effect of missense changes on protein structure and function (PolyPhen-2) suggests that this variant is likely to be tolerated. In summary, the available evidence is currently insufficient to determine the role of this variant in disease. Therefore, it has been classified as a Variant of Uncertain Significance. This variant is present in population databases (no rsID available, gnomAD 0.0009%). This sequence change replaces leucine, which is neutral and non-polar, with valine, which is neutral and non-polar, at codon 835 of the ATR protein (p.Leu835Val).

Genome-Nilou Lab
Classification: Uncertain significance for Seckel syndrome 1. Last evaluated: 2023-02-08. Review status: criteria provided, single submitter. Criteria: ACMG Guidelines, 2015. Collection method: clinical testing. Allele origin: germline.

Genome-Nilou Lab
Classification: Uncertain significance for Familial cutaneous telangiectasia and oropharyngeal predisposition cancer syndrome. Last evaluated: 2023-02-08. Review status: criteria provided, single submitter. Criteria: ACMG Guidelines, 2015. Collection method: clinical testing. Allele origin: germline.